The following is an entry in ClinVar:

NM_025077.4(TOE1):c.480G>C (p.Lys160Asn)

Gene: TOE1 (target of EGR1, exonuclease; plus strand). Cytogenetic location: 1p34.1.
Variant type: single nucleotide variant.
Coding change: c.480G>C on transcript NM_025077.4 (MANE Select); coding-DNA position 480, G replaced by C.
Protein change: p.Lys160Asn; replaces lysine 160 with asparagine.
Molecular consequence: missense variant.
Genome position (GRCh38, 1-based): chr1:45,342,095, G>C. VCF-style: chr1-45342095-G-C. GRCh37 (hg19) VCF-style: chr1-45807767-G-C.
Other names: short protein forms K160N.
Identifiers: ClinVar variation 1720686 (VCV001720686.5), dbSNP rs2524790064, ClinGen allele CA340139293.

ClinVar aggregate classification (germline): Uncertain significance (1 of 4 stars; one submission).

Submission:

Labcorp Genetics (formerly Invitae), Labcorp
Classification: Uncertain significance. Last evaluated: 2022-10-08. Review status: criteria provided, single submitter. Criteria: Invitae Variant Classification Sherloc (09022015). Collection method: clinical testing. Allele origin: germline.
Comment: This variant is not present in population databases (gnomAD no frequency). This sequence change replaces lysine, which is basic and polar, with asparagine, which is neutral and polar, at codon 160 of the TOE1 protein (p.Lys160Asn). This variant has not been reported in the literature in individuals affected with TOE1-related conditions. Advanced modeling of protein sequence and biophysical properties (such as structural, functional, and spatial information, amino acid conservation, physicochemical variation, residue mobility, and thermodynamic stability) performed at Invitae indicates that this missense variant is not expected to disrupt TOE1 protein function. In summary, the available evidence is currently insufficient to determine the role of this variant in disease. Therefore, it has been classified as a Variant of Uncertain Significance.